The following is an entry in ClinVar:

NM_016169.4(SUFU):c.*391A>G

Gene: SUFU (SUFU negative regulator of hedgehog signaling; plus strand). Cytogenetic location: 10q24.32.
Variant type: single nucleotide variant.
Coding change: c.*391A>G on transcript NM_016169.4 (MANE Select); 391 bases downstream of the stop codon, A replaced by G.
Molecular consequence: 3 prime UTR variant.
Genome position (GRCh38, 1-based): chr10:102,630,546, A>G. VCF-style: chr10-102630546-A-G. GRCh37 (hg19) VCF-style: chr10-104390303-A-G.
Identifiers: ClinVar variation 298581 (VCV000298581.6), dbSNP rs2298278, ClinGen allele CA10634778.

ClinVar aggregate classification (germline): Benign. Review status: criteria provided, multiple submitters, no conflicts (2 of 4 stars). 2 submissions from 2 submitters: Benign (2). Last evaluated 2018-01-13.

Conditions:
Medulloblastoma (MDB). Also called: Medulloblastoma, somatic; MEDULLOBLASTOMA PREDISPOSITION SYNDROME. Identifiers: Orphanet 616, MedGen C0025149, MeSH D008527, MONDO:0007959, OMIM 155255, HP:0002885.

Allele frequency attached by ClinVar (database versions not stated): gnomAD 0.14670 and 0.15195; gnomAD exomes 0.14971; TOPMed 0.16674; 1000 Genomes Project 30x 0.24375; 1000 Genomes Project 0.24641.
gnomAD v4.1: 59,935 of 400,716 alleles (15%); highest among the groups gnomAD compares: East Asian, 44%; 6,502 homozygotes.

Submissions (2):

Illumina Laboratory Services, Illumina
Classification: Benign for Medulloblastoma. Last evaluated: 2018-01-13. Review status: criteria provided, single submitter. Criteria: ICSL Variant Classification Criteria 13 December 2019. Collection method: clinical testing. Allele origin: germline.
Comment: This variant was observed in the ICSL laboratory as part of a predisposition screen in an ostensibly healthy population. It had not been previously curated by ICSL or reported in the Human Gene Mutation Database (HGMD: prior to June 1st, 2018), and was therefore a candidate for classification through an automated scoring system. Utilizing variant allele frequency, disease prevalence and penetrance estimates, and inheritance mode, an automated score was calculated to assess if this variant is too frequent to cause the disease. Based on the score and internal cut-off values, a variant classified as benign is not then subjected to further curation. The score for this variant resulted in a classification of benign for this disease.

Breakthrough Genomics
Classification: Benign. Review status: criteria provided, single submitter. Criteria: ACMG Guidelines, 2015. Collection method: not provided. Allele origin: germline. Inheritance: Autosomal recessive inheritance. Affected: yes.